The following is an entry in ClinVar:

NM_001367561.1(DOCK7):c.2250C>T (p.His750=)

Gene: DOCK7 (dedicator of cytokinesis 7; minus strand). Cytogenetic location: 1p31.3.
Variant type: single nucleotide variant.
Coding change: c.2250C>T on transcript NM_001367561.1 (MANE Select); coding-DNA position 2250, C replaced by T.
Protein change: p.His750=; no amino-acid change (histidine 750 retained).
Molecular consequence: synonymous variant.
Genome position (GRCh38, 1-based): chr1:62,559,170, G>A on the plus strand (C>T on the coding strand, the complement: DOCK7 is on the minus strand). VCF-style: chr1-62559170-G-A. GRCh37 (hg19) VCF-style: chr1-63024841-G-A.
Other names: c.2250C>T, p.His750= (NM_001271999.2, NM_001272000.2, NM_001272001.2 and 2 more transcripts).
Identifiers: ClinVar variation 541934 (VCV000541934.41), dbSNP rs201252647, ClinGen allele CA886314.

ClinVar aggregate classification (germline): Likely benign. Review status: criteria provided, multiple submitters, no conflicts (2 of 4 stars). 3 submissions from 3 submitters: Likely benign (3). Last evaluated 2024-12-30.

Conditions:
Developmental and epileptic encephalopathy, 23 (DEE23). Also called: Epileptic encephalopathy, early infantile, 23. Identifiers: Orphanet 411986, MedGen C4014492, MONDO:0014371, OMIM 615859.

Allele frequency attached by ClinVar (database versions not stated): TOPMed 0.00002; gnomAD 0.00003; gnomAD exomes 0.00005; ExAC 0.00006; 1000 Genomes Project 30x 0.00016; 1000 Genomes Project 0.00020.
gnomAD v4.1: 146 of 1,613,692 alleles (0.009%); highest among the groups gnomAD compares: Non-Finnish European, 0.012%; no homozygotes.

Submissions (3):

Labcorp Genetics (formerly Invitae), Labcorp
Classification: Likely benign for Developmental and epileptic encephalopathy, 23. Last evaluated: 2024-12-30. Review status: criteria provided, single submitter. Criteria: Invitae Variant Classification Sherloc (09022015). Collection method: clinical testing. Allele origin: germline.

Genome-Nilou Lab
Classification: Likely benign for Developmental and epileptic encephalopathy, 23. Last evaluated: 2023-04-11. Review status: criteria provided, single submitter. Criteria: ACMG Guidelines, 2015. Collection method: clinical testing. Allele origin: germline. Affected: no.

CeGaT Center for Human Genetics Tuebingen
Classification: Likely benign. Last evaluated: 2022-07-01. Review status: criteria provided, single submitter. Criteria: CeGaT Center For Human Genetics Tuebingen Variant Classification Criteria Version 2. Collection method: clinical testing. Allele origin: germline. Affected: yes. Observed: 1 variant allele.
Comment: DOCK7: BP4, BP7